The following is an entry in ClinVar:

NM_002456.6(MUC1):c.628G>A (p.Gly210Arg)

Gene: MUC1 (mucin 1, cell surface associated; minus strand). Cytogenetic location: 1q22.
Variant type: single nucleotide variant.
Coding change: c.628G>A on transcript NM_002456.6; coding-DNA position 628, G replaced by A.
Protein change: p.Gly210Arg; replaces glycine 210 with arginine.
Molecular consequence: missense variant.
Genome position (GRCh38, 1-based): chr1:155,187,344, C>T on the plus strand (G>A on the coding strand, the complement: MUC1 is on the minus strand). VCF-style: chr1-155187344-C-T. GRCh37 (hg19) VCF-style: chr1-155159820-C-T.
Other names: c.601G>A, p.Gly201Arg (NM_001018016.3); c.574G>A, p.Gly192Arg (NM_001018017.3); c.418G>A, p.Gly140Arg (NM_001044390.3); c.259G>A, p.Gly87Arg (NM_001044391.3); c.286G>A, p.Gly96Arg (NM_001044392.3); c.386G>A, p.Arg129Gln (NM_001044393.3); c.1234G>A, p.Gly412Arg (NM_001204285.2); c.1261G>A, p.Gly421Arg (NM_001204286.1); and 12 more; short protein forms G114R, G1167R, G126R, G140R, G149R, G154R, G167R, G175R.
Identifiers: ClinVar variation 3036300 (VCV003036300.3), dbSNP rs774814129, ClinGen allele CA1139324.

ClinVar aggregate classification (germline): Likely benign. Review status: criteria provided, single submitter (1 of 4 stars). 2 submissions from 2 submitters: Likely benign (1). 1 of the submissions does not count toward it. Last evaluated 2025-08-25.

Conditions:
MUC1-related disorder. Also called: MUC1-related condition.
Inborn genetic diseases. Identifiers: MedGen C0950123, MeSH D030342.

Allele frequency attached by ClinVar (database versions not stated): TOPMed 0.00001; ExAC 0.00002; gnomAD 0.00002; gnomAD exomes 0.00002.

Submissions (2):

Ambry Genetics
Classification: Likely benign for Inborn genetic diseases. Last evaluated: 2025-08-25. Review status: criteria provided, single submitter. Criteria: Ambry Variant Classification Scheme 2023. Collection method: clinical testing. Allele origin: germline.

PreventionGenetics, part of Exact Sciences
Classification: Uncertain significance for MUC1-related condition. Last evaluated: 2023-10-28. Review status: no assertion criteria provided. Collection method: clinical testing. Allele origin: germline. Not counted in ClinVar's aggregate classification.
Comment: The MUC1 c.628G>A variant is predicted to result in the amino acid substitution p.Gly210Arg. To our knowledge, this variant has not been reported in the literature. This variant is reported in 0.016% of alleles in individuals of South Asian descent in gnomAD. At this time, the clinical significance of this variant is uncertain due to the absence of conclusive functional and genetic evidence.